The following is an entry in ClinVar:

NM_001369.3(DNAH5):c.1329G>A (p.Gln443=)

Gene: DNAH5 (dynein axonemal heavy chain 5; minus strand). Cytogenetic location: 5p15.2.
Variant type: single nucleotide variant.
Coding change: c.1329G>A on transcript NM_001369.3 (MANE Select); coding-DNA position 1329, G replaced by A.
Protein change: p.Gln443=; no amino-acid change (glutamine 443 retained).
Molecular consequence: synonymous variant.
Genome position (GRCh38, 1-based): chr5:13,913,950, C>T on the plus strand (G>A on the coding strand, the complement: DNAH5 is on the minus strand). VCF-style: chr5-13913950-C-T. GRCh37 (hg19) VCF-style: chr5-13914059-C-T.
Identifiers: ClinVar variation 698459 (VCV000698459.16), dbSNP rs141621142, ClinGen allele CA3204873.

ClinVar aggregate classification (germline): Benign/Likely benign. Review status: criteria provided, multiple submitters, no conflicts (2 of 4 stars). 4 submissions from 4 submitters: Benign (1); Likely benign (1). 2 of the submissions do not count toward it. Last evaluated 2025-10-03.

Conditions:
DNAH5-related disorder. Also called: DNAH5-related condition.
Primary ciliary dyskinesia. Also called: Ciliary dyskinesia. Identifiers: Orphanet 244, MedGen C0008780, MONDO:0016575, HP:0012265.

Allele frequency attached by ClinVar (database versions not stated): gnomAD exomes 0.00006 and 0.00018; ExAC 0.00023; ESP Exome Variant Server 0.00069; gnomAD 0.00071 and 0.00076; TOPMed 0.00076; 1000 Genomes Project 30x 0.00078; 1000 Genomes Project 0.00080.
gnomAD v4.1: 203 of 1,612,736 alleles (0.013%); highest among the groups gnomAD compares: African/African-American, 0.25%; 3 homozygotes.

Submissions (4):

Labcorp Genetics (formerly Invitae), Labcorp
Classification: Benign for Primary ciliary dyskinesia. Last evaluated: 2025-10-03. Review status: criteria provided, single submitter. Criteria: Invitae Variant Classification Sherloc (09022015). Collection method: clinical testing. Allele origin: germline.

Ambry Genetics
Classification: Likely benign for Primary ciliary dyskinesia. Last evaluated: 2022-04-04. Review status: criteria provided, single submitter. Criteria: Ambry Variant Classification Scheme 2023. Collection method: clinical testing. Allele origin: germline.

PreventionGenetics, part of Exact Sciences
Classification: Likely benign for DNAH5-related condition. Last evaluated: 2022-12-27. Review status: no assertion criteria provided. Collection method: clinical testing. Allele origin: germline. Not counted in ClinVar's aggregate classification.
Comment: This variant is classified as likely benign based on ACMG/AMP sequence variant interpretation guidelines (Richards et al. 2015 PMID: 25741868, with internal and published modifications).

Natera, Inc.
Classification: Likely benign for Primary ciliary dyskinesia. Last evaluated: 2020-05-01. Review status: no assertion criteria provided. Collection method: clinical testing. Allele origin: germline. Not counted in ClinVar's aggregate classification.